The following is an entry in ClinVar:

ClinVar aggregate classification (germline): Uncertain significance (1 of 4 stars; one submission).

Conditions:
Hereditary diffuse gastric adenocarcinoma (HDGC). Also called: DIFFUSE GASTRIC AND LOBULAR BREAST CANCER SYNDROME. Identifiers: Orphanet 26106, MedGen C1708349, MONDO:0007648, OMIM 137215.

Submission:

Labcorp Genetics (formerly Invitae), Labcorp
Classification: Uncertain significance for Hereditary diffuse gastric adenocarcinoma. Last evaluated: 2021-06-10. Review status: criteria provided, single submitter. Criteria: Invitae Variant Classification Sherloc (09022015). Collection method: clinical testing. Allele origin: germline.
Comment: In summary, the available evidence is currently insufficient to determine the role of this variant in disease. Therefore, it has been classified as a Variant of Uncertain Significance. Experimental studies and prediction algorithms are not available or were not evaluated, and the functional significance of this variant is currently unknown. This variant has not been reported in the literature in individuals with CDH1-related conditions. This variant is not present in population databases (ExAC no frequency). This variant, c.2274_2288del, results in the deletion of 5 amino acid(s) of the CDH1 protein (p.Gly759_Glu763del), but otherwise preserves the integrity of the reading frame.

NM_004360.5(CDH1):c.2274_2288del (p.Gly759_Glu763del)

Gene: CDH1 (cadherin 1; plus strand). Cytogenetic location: 16q22.1.
Variant type: Deletion.
Coding change: c.2274_2288del on transcript NM_004360.5 (MANE Select); coding-DNA positions 2274 to 2288, 15 bases deleted (AGGAGGCGGAGAAGA).
Protein change: p.Gly759_Glu763del.
Molecular consequence: inframe deletion.
Genome position (GRCh38, 1-based): chr16:68,828,283-68,828,297, AGGAGGCGGAGAAGA deleted; deleting any 15 consecutive bases within chr16:68,828,278-68,828,297 gives the same sequence; the c. name uses the placement nearest the transcript's 3' end. VCF-style (leftmost placement, unchanged base first): chr16-68828277-TGAAGAAGGAGGCGGA-T. GRCh37 (hg19) VCF-style: chr16-68862180-TGAAGAAGGAGGCGGA-T.
Other names: c.2091_2105del, p.Gly698_Glu702del (NM_001317184.2); c.726_740del, p.Gly243_Glu247del (NM_001317185.2); c.309_323del, p.Gly104_Glu108del (NM_001317186.2).
Identifiers: ClinVar variation 1451019 (VCV001451019.8), dbSNP rs2152141551, ClinGen allele CA2573152655.